The following is an entry in ClinVar:

NM_001352514.2(HLCS):c.2614C>T (p.Arg872Trp)

Gene: HLCS (holocarboxylase synthetase; minus strand). Cytogenetic location: 21q22.13.
Variant type: single nucleotide variant.
Coding change: c.2614C>T on transcript NM_001352514.2 (MANE Select); coding-DNA position 2614, C replaced by T.
Protein change: p.Arg872Trp; replaces arginine 872 with tryptophan.
Molecular consequence: missense variant. On other transcripts: non-coding transcript variant (2).
Genome position (GRCh38, 1-based): chr21:36,754,254, G>A on the plus strand (C>T on the coding strand, the complement: HLCS is on the minus strand). VCF-style: chr21-36754254-G-A. GRCh37 (hg19) VCF-style: chr21-38126555-G-A.
Other names: c.2173C>T, p.Arg725Trp (NM_000411.8, NM_001242784.3, NM_001242785.2 and 4 more transcripts); short protein forms R725W, R872W.
Identifiers: ClinVar variation 2147082 (VCV002147082.1), dbSNP rs199499263, ClinGen allele CA320412285.

ClinVar aggregate classification (germline): Uncertain significance (1 of 4 stars; one submission).

Conditions:
Holocarboxylase synthetase deficiency. Also called: MULTIPLE CARBOXYLASE DEFICIENCY, EARLY ONSET. Identifiers: Orphanet 79242, MedGen C0268581, MONDO:0009666, OMIM 253270.

Allele frequency attached by ClinVar (database versions not stated): gnomAD 0.00001; gnomAD exomes 0.00001; 1000 Genomes Project 30x 0.00016; 1000 Genomes Project 0.00020.
gnomAD v4.1: 11 of 1,614,018 alleles (0.00068%); highest among the groups gnomAD compares: East Asian, 0.0045%; no homozygotes.

Submission:

Labcorp Genetics (formerly Invitae), Labcorp
Classification: Uncertain significance for Holocarboxylase synthetase deficiency. Last evaluated: 2022-07-23. Review status: criteria provided, single submitter. Criteria: Invitae Variant Classification Sherloc (09022015). Collection method: clinical testing. Allele origin: germline.
Comment: This sequence change replaces arginine, which is basic and polar, with tryptophan, which is neutral and slightly polar, at codon 725 of the HLCS protein (p.Arg725Trp). The frequency data for this variant in the population databases is considered unreliable, as metrics indicate poor data quality at this position in the gnomAD database. This variant has not been reported in the literature in individuals affected with HLCS-related conditions. Advanced modeling of protein sequence and biophysical properties (such as structural, functional, and spatial information, amino acid conservation, physicochemical variation, residue mobility, and thermodynamic stability) performed at Invitae indicates that this missense variant is not expected to disrupt HLCS protein function. In summary, the available evidence is currently insufficient to determine the role of this variant in disease. Therefore, it has been classified as a Variant of Uncertain Significance.